The following is an entry in ClinVar:

NM_004608.4(TBX6):c.424G>T (p.Asp142Tyr)

Gene: TBX6 (T-box transcription factor 6; minus strand). Cytogenetic location: 16p11.2.
Variant type: single nucleotide variant.
Coding change: c.424G>T on transcript NM_004608.4 (MANE Select); coding-DNA position 424, G replaced by T.
Protein change: p.Asp142Tyr; replaces aspartic acid 142 with tyrosine.
Molecular consequence: missense variant.
Genome position (GRCh38, 1-based): chr16:30,089,140, C>A on the plus strand (G>T on the coding strand, the complement: TBX6 is on the minus strand). VCF-style: chr16-30089140-C-A. GRCh37 (hg19) VCF-style: chr16-30100461-C-A.
Other names: short protein forms D142Y.
Identifiers: ClinVar variation 694404 (VCV000694404.1), dbSNP rs1596853067, ClinGen allele CA395520263.
Genomic context (GRCh38, chr16:30,089,140, plus strand): 5'-CGCTGGGCTCCCAGCGCCGGCCCTGCCAGCGGTAGCGAGCCCCATCCACCGGAATCACAT[C>A]CAGAAGAAACAAGTAGCGGGCCTCGGGGTCCAGGCCAGTGACTGACACTCGGCAGGCAGG-3'
Protein context (NP_004599.2, residues 132-152): DPEARYLFLL[Asp142Tyr]VIPVDGARYR

ClinVar aggregate classification (germline): Likely pathogenic (1 of 4 stars; one submission).

Conditions:
Scoliosis. Identifiers: MedGen C0036439, MONDO:0005392, HP:0002650.

Submission:

Beijing Key Laboratory for Genetic Research of Skeletal Deformity, Peking Union Medical College Hospital
Classification: Likely pathogenic for scoliosis. Last evaluated: 2019-08-01. Review status: criteria provided, single submitter. Criteria: ACMG Guidelines, 2015. Collection method: research. Allele origin: germline. Affected: yes. Observed: 1 variant allele.
Comment: This variant in trans with hypomorphic TBX6 allele may contribute to congenital scoliosis development

Literature cited by the submitters: PubMed 25564734.